The following is an entry in ClinVar:

ClinVar aggregate classification (germline): Likely benign. Review status: reviewed by expert panel (3 of 4 stars). 5 submissions from 5 submitters: Likely benign (1). 4 of the submissions do not count toward it. Last evaluated 2025-12-19.

Conditions:
Activated PI3K-delta syndrome. Identifiers: Orphanet 397596, MedGen C3714976, MONDO:0018338.
Combined immunodeficiency with faciooculoskeletal anomalies. Also called: COMBINED IMMUNODEFICIENCY, FACIAL DYSMORPHISM, OPTIC NERVE ATROPHY, SKELETAL ANOMALIES, AND DEVELOPMENTAL DELAY; Roifman-Chitayat syndrome; Roifman-Chitayat syndrome, digenic. Identifiers: Orphanet 221139, MedGen C2750068, MONDO:0013226, OMIM 613328.
Immunodeficiency 14 (IMD14A). Also called: IMMUNODEFICIENCY 14A WITH LYMPHOPROLIFERATION, AUTOSOMAL DOMINANT; ACTIVATED PI3K-DELTA SYNDROME 1; p110-DELTA-ACTIVATING MUTATION CAUSING SENESCENT T CELLS, LYMPHADENOPATHY, AND IMMUNODEFICIENCY; Activated PI3K Delta Syndrome Type 1 (APDS1). Identifiers: Orphanet 397596, Orphanet 693661, MedGen C5907821, MONDO:0014222, OMIM 615513.
Immunodeficiency 14b, autosomal recessive. Identifiers: MedGen C5543301, MONDO:0023655, OMIM 619281.

Allele frequency attached by ClinVar (database versions not stated): gnomAD 0.00021 and 0.00020; gnomAD exomes 0.00025 and 0.00012; TOPMed 0.00009; ExAC 0.00010; ESP Exome Variant Server 0.00031.
gnomAD v4.1: 388 of 1,613,342 alleles (0.024%); highest among the groups gnomAD compares: Non-Finnish European, 0.03%; no homozygotes.

Submissions (5):

ClinGen Primary Immune Regulatory Disorders Variant Curation Expert Panel, ClinGen
Classification: Likely benign for Immunodeficiency 14. Last evaluated: 2025-12-19. Review status: reviewed by expert panel. Criteria: ClinGen AbDef ACMG Specifications PIK3CD V1.0.0. Collection method: curation. Allele origin: germline. Inheritance: Autosomal dominant inheritance.
Comment: NM_005026.5(PIK3CD):c.1777G>C (p.Gly593Arg) is a missense variant causing substitution of glycine by arginine at amino acid 593. This variant is present in gnomAD v4.1.0 at a total combined allele frequency of 0.0002405, with 388 alleles / 1,613,342 total alleles across all populations of gnomAD, which is higher than the ClinGen Antibody Deficiencies VCEP PM2_Supporting threshold of <0.00000132. The variant is present in gnomAD v.4.1.0 at a GrpMax allele frequency of 0.0002731, with 353 alleles / 1,180,006 total alleles in the European (non-Finnish) population, which is lower than the BS1 threshold of >0.000316, so no population code can be applied. This variant has been reported in a ClinVar submission of a proband with a phenotype including recurrent pneumonia (4 pts), asthma and cough with eosinophilic infiltration of the esophagus (0.5 pts), and anxiety, with the peripheral blood indicating that transitional B cells and T follicular helper cells were both within the normal ranges, while activated blasting primary T cells showed no increase in phospho-AKT upon anti-CD3 stimulation compared to controls, and no increased baseline pS6 (SCV005423652.1). Together, these are not sufficiently specific for immunodeficiency 14 for inclusion in PS4_Supporting. The computational predictor REVEL gives a score of 0.144, which is below the ClinGen Antibody Deficiencies VCEP threshold of <0.290 and predicts a non-damaging effect on PIK3CD function. The computational predictor CADD gives a PHRED score of 19.41, which is below the ClinGen Antibody Deficiencies VCEP threshold of <22.7 and predicts a non-deleterious effect on PIK3CD function. The two predictors agree on a non-damaging effect (BP4). In summary, this variant meets the criteria to be classified as likely benign for autosomal dominant immunodeficiency 14 based on the ACMG/AMP criteria applied, as specified by the ClinGen Antibody Deficiencies VCEP: BP4. (VCEP specifications version 1.0.0).

Labcorp Genetics (formerly Invitae), Labcorp
Classification: Uncertain significance for Activated PI3K-delta syndrome. Last evaluated: 2025-12-30. Review status: criteria provided, single submitter. Criteria: Invitae Variant Classification Sherloc (09022015). Collection method: clinical testing. Allele origin: germline. Not counted in ClinVar's aggregate classification.
Comment: This sequence change replaces glycine, which is neutral and non-polar, with arginine, which is basic and polar, at codon 593 of the PIK3CD protein (p.Gly593Arg). This variant is present in population databases (rs143068130, gnomAD 0.03%). This variant has not been reported in the literature in individuals affected with PIK3CD-related conditions. ClinVar contains an entry for this variant (Variation ID: 424409). Invitae Evidence Modeling of protein sequence and biophysical properties (such as structural, functional, and spatial information, amino acid conservation, physicochemical variation, residue mobility, and thermodynamic stability) indicates that this missense variant is not expected to disrupt PIK3CD protein function with a negative predictive value of 80%. In summary, the available evidence is currently insufficient to determine the role of this variant in disease. Therefore, it has been classified as a Variant of Uncertain Significance.

Department of Pathology and Laboratory Medicine, Sinai Health System
Classification: Uncertain significance for Combined immunodeficiency with faciooculoskeletal anomalies; Immunodeficiency 14; Immunodeficiency 14b, autosomal recessive. Last evaluated: 2021-07-30. Review status: criteria provided, single submitter. Criteria: ACMG Guidelines, 2015. Collection method: research. Allele origin: germline. Not counted in ClinVar's aggregate classification.

GeneDx
Classification: Uncertain significance. Last evaluated: 2017-03-20. Review status: criteria provided, single submitter. Criteria: GeneDx Variant Classification (06012015). Collection method: clinical testing. Allele origin: germline. Affected: yes. Not counted in ClinVar's aggregate classification.
Comment: The c.1777G>C variant in the PIK3CD gene has not been reported previously as a pathogenic variant, nor as a benign variant, to our knowledge. The c.1777G>C variant is observed in 11/65934 (0.02%) alleles from individuals of European background, in the ExAC dataset (Lek et al., 2016). In silico splice prediction models predict that c.1777G>C may create a cryptic splice donor site in exon 14, however this variant is not predicted to affect the natural splice donor site. In the absence of RNA/functional studies, the actual effect of the c.1777G>C change in this individual is unknown. If c.1777G>C does not alter splicing, it will result in the G593R missense change. The G593R variant is a non-conservative amino acid substitution, which is likely to impact secondary protein structure as these residues differ in polarity, charge, size and/or other properties. This substitution occurs at a position that is conserved in mammals. In silico analysis is inconsistent in its predictions as to whether or not the variant is damaging to the protein structure/function. We interpret c.1777G>C as a variant of uncertain significance.

Rarefied Biosciences Lab
Classification: Likely benign for Activated PI3K-delta syndrome. Review status: no assertion criteria provided. Collection method: research. Allele origin: germline, not applicable. Affected: yes. Not counted in ClinVar's aggregate classification.
Comment: p.Gly593Arg is classified here as likely benign due to experimental evidence showing no gain of mTOR function in B or T cells. The proportion of transitional B cells is normal. The proportion of circulating TFH is normal.

Literature cited by the submitters: PubMed 31031754 (cited by Rarefied Biosciences Lab).

NM_005026.5(PIK3CD):c.1777G>C (p.Gly593Arg)

Gene: PIK3CD (phosphatidylinositol-4,5-bisphosphate 3-kinase catalytic subunit delta; plus strand). Cytogenetic location: 1p36.22.
Variant type: single nucleotide variant.
Coding change: c.1777G>C on transcript NM_005026.5 (MANE Select); coding-DNA position 1777, G replaced by C.
Protein change: p.Gly593Arg; replaces glycine 593 with arginine.
Molecular consequence: missense variant.
Genome position (GRCh38, 1-based): chr1:9,721,214, G>C. VCF-style: chr1-9721214-G-C. GRCh37 (hg19) VCF-style: chr1-9781272-G-C.
Other names: NM_005026.5(PIK3CD):c.1777G>C; p.Gly593Arg; c.1777G>C (LRG_191t1); c.1774G>C, p.Gly592Arg (NM_001350234.2); c.1690G>C, p.Gly564Arg (NM_001350235.1); short protein forms G593R, G564R, G592R.
Identifiers: ClinVar variation 424409 (VCV000424409.9), dbSNP rs143068130, ClinGen allele CA577321.